The following is an entry in ClinVar:

NM_001211.6(BUB1B):c.2337G>T (p.Lys779Asn)

Gene: BUB1B (BUB1 mitotic checkpoint serine/threonine kinase B; plus strand). Cytogenetic location: 15q15.1.
Variant type: single nucleotide variant.
Coding change: c.2337G>T on transcript NM_001211.6 (MANE Select); coding-DNA position 2337, G replaced by T.
Protein change: p.Lys779Asn; replaces lysine 779 with asparagine.
Molecular consequence: missense variant.
Genome position (GRCh38, 1-based): chr15:40,210,162, G>T. VCF-style: chr15-40210162-G-T. GRCh37 (hg19) VCF-style: chr15-40502363-G-T.
Other names: short protein forms K779N.
Identifiers: ClinVar variation 1789798 (VCV001789798.3), dbSNP rs1301115559, ClinGen allele CA391694975.
Genomic context (GRCh38, chr15:40,210,162, plus strand): 5'-CTCAACAGGTAATGAGGATTACTGCATTAAACGAGAATACCTAATATGTGAAGATTACAA[G>T]TTATTCTGGGTGGCGCCAAGAAACTCTGCAGAATTAACAGTAATAAAGGTGGGACTGATT-3'
Protein context (NP_001202.5, residues 769-789): KREYLICEDY[Lys779Asn]LFWVAPRNSA

ClinVar aggregate classification (germline): Uncertain significance. Review status: criteria provided, multiple submitters, no conflicts (2 of 4 stars). 2 submissions from 2 submitters: Uncertain significance (2). Last evaluated 2025-04-29.

Conditions:
Mosaic variegated aneuploidy syndrome 1 (MVA1). Also called: Warburton-Anyane-Yeboa syndrome. Identifiers: Orphanet 1052, MedGen C1850343, MONDO:0009759, OMIM 257300.
Inborn genetic diseases. Identifiers: MedGen C0950123, MeSH D030342.

Allele frequency attached by ClinVar (database versions not stated): TOPMed 0.00006; gnomAD 0.00007.
gnomAD v4.1: 20 of 1,612,656 alleles (0.0012%); highest among the groups gnomAD compares: Admixed American, 0.027%; no homozygotes.

Submissions (2):

Labcorp Genetics (formerly Invitae), Labcorp
Classification: Uncertain significance for Mosaic variegated aneuploidy syndrome 1. Last evaluated: 2025-04-29. Review status: criteria provided, single submitter. Criteria: Invitae Variant Classification Sherloc (09022015). Collection method: clinical testing. Allele origin: germline.
Comment: This sequence change replaces lysine, which is basic and polar, with asparagine, which is neutral and polar, at codon 779 of the BUB1B protein (p.Lys779Asn). This variant is present in population databases (no rsID available, gnomAD 0.02%). This variant has not been reported in the literature in individuals affected with BUB1B-related conditions. ClinVar contains an entry for this variant (Variation ID: 1789798). An algorithm developed to predict the effect of missense changes on protein structure and function (PolyPhen-2) suggests that this variant is likely to be disruptive. In summary, the available evidence is currently insufficient to determine the role of this variant in disease. Therefore, it has been classified as a Variant of Uncertain Significance.

Ambry Genetics
Classification: Uncertain significance for Inborn genetic diseases. Last evaluated: 2022-09-24. Review status: criteria provided, single submitter. Criteria: Ambry Variant Classification Scheme 2023. Collection method: clinical testing. Allele origin: germline.
Comment: The p.K779N variant (also known as c.2337G>T), located in coding exon 18 of the BUB1B gene, results from a G to T substitution at nucleotide position 2337. The lysine at codon 779 is replaced by asparagine, an amino acid with similar properties. This amino acid position is conserved. In addition, this alteration is predicted to be tolerated by in silico analysis. Since supporting evidence is limited at this time, the clinical significance of this alteration remains unclear.